The following is an entry in ClinVar:

NM_001365951.3(KIF1B):c.4321A>G (p.Ile1441Val)

Gene: KIF1B (kinesin family member 1B; plus strand). Cytogenetic location: 1p36.22.
Variant type: single nucleotide variant.
Coding change: c.4321A>G on transcript NM_001365951.3 (MANE Select); coding-DNA position 4321, A replaced by G.
Protein change: p.Ile1441Val; replaces isoleucine 1441 with valine.
Molecular consequence: missense variant.
Genome position (GRCh38, 1-based): chr1:10,363,299, A>G. VCF-style: chr1-10363299-A-G. GRCh37 (hg19) VCF-style: chr1-10423357-A-G.
Other names: c.4321A>G, p.Ile1441Val (NM_001365952.1); c.4183A>G, p.Ile1395Val (NM_015074.3); short protein forms I1395V, I1441V.
Identifiers: ClinVar variation 4092346 (VCV004092346.1).
Genomic context (GRCh38, chr1:10,363,299, plus strand): 5'-TGTGCTTTAAGAGATTAAACAATTGTTTTATTTTCTTCAAATAGGAATCGAGTCACTGGC[A>G]TTTACGAACTCAGCTTATGCAAAATGTCAGACACAGGTAGTCCAGGTAAGCTCTTGTGGA-3'
Protein context (NP_001352880.1, residues 1431-1451): KSPDSNRVTG[Ile1441Val]YELSLCKMSD

ClinVar aggregate classification (germline): Uncertain significance (1 of 4 stars; one submission).

Submission:

Ambry Genetics
Classification: Uncertain significance. Last evaluated: 2025-07-16. Review status: criteria provided, single submitter. Criteria: Ambry Variant Classification Scheme 2023. Collection method: clinical testing. Allele origin: germline.
Comment: The p.I1395V variant (also known as c.4183A>G), located in coding exon 38 of the KIF1B gene, results from an A to G substitution at nucleotide position 4183. The isoleucine at codon 1395 is replaced by valine, an amino acid with highly similar properties. This amino acid position is conserved. In addition, this alteration is predicted to be tolerated by in silico analysis. Based on the available evidence, the clinical significance of this variant remains unclear.